The following is an entry in ClinVar:

ClinVar aggregate classification (germline): Uncertain significance (1 of 4 stars; one submission).

Conditions:
Cardiovascular phenotype. Identifiers: MedGen CN230736.

Allele frequency attached by ClinVar (database versions not stated): TOPMed below 0.00001; gnomAD 0.00001.
gnomAD v4.1: 1 of 1,614,092 alleles (0.000062%); highest among the groups gnomAD compares: Non-Finnish European, 0.000085%; no homozygotes.

Submission:

Ambry Genetics
Classification: Uncertain significance for Cardiovascular phenotype. Last evaluated: 2021-12-24. Review status: criteria provided, single submitter. Criteria: Ambry Variant Classification Scheme 2023. Collection method: clinical testing. Allele origin: germline.
Comment: The p.N687K variant (also known as c.2061C>A), located in coding exon 17 of the ACTN2 gene, results from a C to A substitution at nucleotide position 2061. The asparagine at codon 687 is replaced by lysine, an amino acid with similar properties. This amino acid position is conserved. In addition, this alteration is predicted to be tolerated by in silico analysis. Since supporting evidence is limited at this time, the clinical significance of this alteration remains unclear.

NM_001103.4(ACTN2):c.2061C>A (p.Asn687Lys)

Gene: ACTN2 (actinin alpha 2; plus strand). Cytogenetic location: 1q43.
Variant type: single nucleotide variant.
Coding change: c.2061C>A on transcript NM_001103.4 (MANE Select); coding-DNA position 2061, C replaced by A.
Protein change: p.Asn687Lys; replaces asparagine 687 with lysine.
Molecular consequence: missense variant.
Genome position (GRCh38, 1-based): chr1:236,755,105, C>A. VCF-style: chr1-236755105-C-A. GRCh37 (hg19) VCF-style: chr1-236918405-C-A.
Other names: c.2061C>A, p.Asn687Lys (NM_001278343.2); c.1437C>A, p.Asn479Lys (NM_001278344.2); c.1311C>A, p.Asn437Lys (NM_001412150.1); short protein forms N479K, N687K, N437K.
Identifiers: ClinVar variation 1785232 (VCV001785232.2), dbSNP rs1254873442, ClinGen allele CA345387575.